The following is an entry in ClinVar:

NM_001018115.3(FANCD2):c.3103C>T (p.Gln1035Ter)

Gene: FANCD2 (FA complementation group D2; plus strand). Cytogenetic location: 3p25.3.
Variant type: single nucleotide variant.
Coding change: c.3103C>T on transcript NM_001018115.3 (MANE Select); coding-DNA position 3103, C replaced by T.
Protein change: p.Gln1035Ter; replaces glutamine 1035 with a stop codon.
Molecular consequence: nonsense.
Genome position (GRCh38, 1-based): chr3:10,081,226, C>T. VCF-style: chr3-10081226-C-T. GRCh37 (hg19) VCF-style: chr3-10122910-C-T.
Other names: c.3103C>T, p.Gln1035Ter (NM_001319984.2, NM_001374254.1, NM_033084.6); c.2992C>T, p.Gln998Ter (NM_001374253.1); short protein forms Q1035*, Q998*.
Identifiers: ClinVar variation 2027396 (VCV002027396.4), dbSNP rs2125059701, ClinGen allele CA351748092.
Genomic context (GRCh38, chr3:10,081,226, plus strand): 5'-TGTGTTTTTCAACTGCTGACCCCAATGTGTAACCACCTGGAGAACATTCACAACTATTTT[C>T]AGGTCAGAAGCCTAGACTTAGAAGCTGCTAAGCAAATATGAGGTTTCATTTTTGGCTGAG-3'

ClinVar aggregate classification (germline): Pathogenic (1 of 4 stars; one submission).

Conditions:
Fanconi anemia (FA). Also called: Fanconi's anemia. Identifiers: Orphanet 84, MedGen C0015625, MeSH D005199, MONDO:0019391.

Submission:

Labcorp Genetics (formerly Invitae), Labcorp
Classification: Pathogenic for Fanconi anemia. Last evaluated: 2022-10-06. Review status: criteria provided, single submitter. Criteria: Invitae Variant Classification Sherloc (09022015). Collection method: clinical testing. Allele origin: germline.
Comment: This sequence change creates a premature translational stop signal (p.Gln1035*) in the FANCD2 gene. It is expected to result in an absent or disrupted protein product. Loss-of-function variants in FANCD2 are known to be pathogenic (PMID: 17436244). For these reasons, this variant has been classified as Pathogenic. Algorithms developed to predict the effect of sequence changes on RNA splicing suggest that this variant may disrupt the consensus splice site. This variant has not been reported in the literature in individuals affected with FANCD2-related conditions. This variant is not present in population databases (gnomAD no frequency).

Literature cited by the submitters: PubMed 17436244.